The following is an entry in ClinVar:

Conditions:
Breast-ovarian cancer, familial, susceptibility to, 1 (BROVCA1). Also called: BRCA1 Hereditary Breast and Ovarian Cancer; OVARIAN CANCER, SUSCEPTIBILITY TO. Identifiers: Orphanet 145, MedGen C2676676, MONDO:0011450, OMIM 604370. Disease mechanism: loss of function.

Submission:

Brotman Baty Institute, University of Washington
No classification provided (evidence only). Condition: Breast-ovarian cancer, familial 1. Review status: no classification provided. Collection method: in vitro. Allele origin: not applicable. Functional consequence: functionally_abnormal.
ClinVar note: "not provided" was previously submitted as the classification for the variant. However, the classification appeared to be based only on an observation of functional data so it was converted to no classification on 2025-07-30.

NM_007294.4(BRCA1):c.5361T>A (p.Cys1787Ter)

Gene: BRCA1 (BRCA1 DNA repair associated; minus strand). Cytogenetic location: 17q21.31.
Variant type: single nucleotide variant.
Coding change: c.5361T>A on transcript NM_007294.4 (MANE Select); coding-DNA position 5361, T replaced by A.
Protein change: p.Cys1787Ter; replaces cysteine 1787 with a stop codon.
Molecular consequence: nonsense. On other transcripts: non-coding transcript variant (1), intron variant (1).
Genome position (GRCh38, 1-based): chr17:43,049,166, A>T on the plus strand (T>A on the coding strand, the complement: BRCA1 is on the minus strand). VCF-style: chr17-43049166-A-T. GRCh37 (hg19) VCF-style: chr17-41201183-A-T.
Other names: c.1839T>A, p.Cys613Ter (NM_001408484.1, NM_001408485.1, NM_001408489.1 and 5 more transcripts); c.1836T>A, p.Cys612Ter (NM_001408492.1, NM_001408493.1); c.1785T>A, p.Cys595Ter (NM_001408504.1, NM_001408502.1, NM_001408503.1); c.1782T>A, p.Cys594Ter (NM_001408505.1); c.1725T>A, p.Cys575Ter (NM_001408506.1); c.1722T>A, p.Cys574Ter (NM_001408507.1); c.1713T>A, p.Cys571Ter (NM_001408508.1); c.1710T>A, p.Cys570Ter (NM_001408509.1); and 73 more; short protein forms C1740*, C683*, C1787*, C1808*, C1490*, C1658*, C1660*, C1697*.
Identifiers: ClinVar variation 865659 (VCV000865659.3), dbSNP rs2051087788, ClinGen allele CA10590743.